The following is an entry in ClinVar:

NM_001184880.2(PCDH19):c.1238G>C (p.Arg413Pro)

Gene: PCDH19 (protocadherin 19; minus strand). Cytogenetic location: Xq22.1.
Variant type: single nucleotide variant.
Coding change: c.1238G>C on transcript NM_001184880.2 (MANE Select); coding-DNA position 1238, G replaced by C.
Protein change: p.Arg413Pro; replaces arginine 413 with proline.
Molecular consequence: missense variant.
Genome position (GRCh38, 1-based): chrX:100,407,360, C>G on the plus strand (G>C on the coding strand, the complement: PCDH19 is on the minus strand). VCF-style: chrX-100407360-C-G. GRCh37 (hg19) VCF-style: chrX-99662358-C-G.
Other names: c.1238G>C, p.Arg413Pro (NM_001105243.2, NM_020766.3); short protein forms R413P.
Identifiers: ClinVar variation 1339038 (VCV001339038.2), dbSNP rs2147539292, ClinGen allele CA414003514.

ClinVar aggregate classification (germline): Uncertain significance (1 of 4 stars; one submission).

Conditions:
Developmental and epileptic encephalopathy, 9 (DEE9). Also called: Early infantile epileptic encephalopathy 9; PCDH19-Related X-Linked Female-Limited Epilepsy with Mental Retardation; JUBERG-HELLMAN SYNDROME; EPILEPSY, FEMALE-RESTRICTED, WITH MENTAL RETARDATION. Identifiers: Orphanet 101039, Orphanet 2076, MedGen C1848137, MONDO:0010246, OMIM 300088. Disease mechanism: loss of function.

Submission:

Neuberg Centre For Genomic Medicine, NCGM
Classification: Uncertain significance for Developmental and epileptic encephalopathy, 9. Review status: criteria provided, single submitter. Criteria: ACMG Guidelines, 2015. Collection method: clinical testing. Allele origin: germline. Affected: yes.
Comment: The missense variant p.R413P in PCDH19 (NM_001184880.2) has not been reported previously as a pathogenic variant nor as a benign variant, to our knowledge. The mutant allele is present in 76% of the sequenced reads indicating that it is possibly present in mosaic state. The p.R413P variant is novel (not in any individuals) in gnomAD Exomes and is novel (not in any individuals) in 1000 Genomes. The p.R413P missense variant is predicted to be damaging by both SIFT and PolyPhen2. The arginine residue at codon 413 of PCDH19 is conserved in all mammalian species. The nucleotide c.1238 in PCDH19 is predicted conserved by GERP++ and PhyloP across 100 vertebrates. For these reasons, this variant has been classified as Uncertain Significance